The following is an entry in ClinVar:

ClinVar aggregate classification (germline): Likely benign (0 of 4 stars; one submission).

Conditions:
PANK2-related disorder. Also called: PANK2-related condition.

Submission:

PreventionGenetics, part of Exact Sciences
Classification: Likely benign for PANK2-related condition. Last evaluated: 2019-03-05. Review status: no assertion criteria provided. Collection method: clinical testing. Allele origin: germline.
Comment: This variant is classified as likely benign based on ACMG/AMP sequence variant interpretation guidelines (Richards et al. 2015 PMID: 25741868, with internal and published modifications).

NM_001386393.1(PANK2):c.298+3A>G

Genes: PANK2 (pantothenate kinase 2; plus strand), LOC130065345 (ATAC-STARR-seq lymphoblastoid silent region 12635; plus strand). Cytogenetic location: 20p13.
Variant type: single nucleotide variant.
Coding change: c.298+3A>G on transcript NM_001386393.1 (MANE Select); 3 bases into the intron after coding-DNA position 298, A replaced by G.
Molecular consequence: intron variant.
Genome position (GRCh38, 1-based): chr20:3,889,731, A>G. VCF-style: chr20-3889731-A-G. GRCh37 (hg19) VCF-style: chr20-3870378-A-G.
Other names: c.-246+827A>G (NM_024960.6); c.628+3A>G (NM_153638.4, NM_001324192.1); c.-414+3A>G (NM_001324191.2).
Identifiers: ClinVar variation 3352943 (VCV003352943.1).